The following is an entry in ClinVar:

ClinVar aggregate classification (germline): Uncertain significance (1 of 4 stars; one submission).

Conditions:
Joubert syndrome 23 (JBTS23). Identifiers: Orphanet 475, MedGen C4084822, MONDO:0014664, OMIM 616490.
Short-rib thoracic dysplasia 14 with polydactyly (SRTD14). Identifiers: Orphanet 397715, MedGen C4225286, MONDO:0014688, OMIM 616546.

Allele frequency attached by ClinVar (database versions not stated): gnomAD 0.00001; gnomAD exomes below 0.00001; ExAC 0.00001.
gnomAD v4.1: 2 of 1,590,258 alleles (0.00013%); highest among the groups gnomAD compares: African/African-American, 0.0027%; no homozygotes.

Submission:

Labcorp Genetics (formerly Invitae), Labcorp
Classification: Uncertain significance for Joubert syndrome 23; Short-rib thoracic dysplasia 14 with polydactyly. Last evaluated: 2024-11-18. Review status: criteria provided, single submitter. Criteria: Invitae Variant Classification Sherloc (09022015). Collection method: clinical testing. Allele origin: germline.
Comment: This sequence change replaces glutamine, which is neutral and polar, with leucine, which is neutral and non-polar, at codon 994 of the KIAA0586 protein (p.Gln994Leu). This variant is present in population databases (rs768032063, gnomAD 0.007%). This variant has not been reported in the literature in individuals affected with KIAA0586-related conditions. ClinVar contains an entry for this variant (Variation ID: 1355354). Invitae Evidence Modeling of protein sequence and biophysical properties (such as structural, functional, and spatial information, amino acid conservation, physicochemical variation, residue mobility, and thermodynamic stability) indicates that this missense variant is expected to disrupt KIAA0586 protein function with a positive predictive value of 80%. In summary, the available evidence is currently insufficient to determine the role of this variant in disease. Therefore, it has been classified as a Variant of Uncertain Significance.

NM_001329943.3(KIAA0586):c.2822A>T (p.Gln941Leu)

Gene: KIAA0586 (KIAA0586; plus strand). Cytogenetic location: 14q23.1.
Variant type: single nucleotide variant.
Coding change: c.2822A>T on transcript NM_001329943.3 (MANE Select); coding-DNA position 2822, A replaced by T.
Protein change: p.Gln941Leu; replaces glutamine 941 with leucine.
Molecular consequence: missense variant.
Genome position (GRCh38, 1-based): chr14:58,474,794, A>T. VCF-style: chr14-58474794-A-T. GRCh37 (hg19) VCF-style: chr14-58941512-A-T.
Other names: c.2981A>T, p.Gln994Leu (NM_001244189.2); c.2777A>T, p.Gln926Leu (NM_001244190.2); c.2567A>T, p.Gln856Leu (NM_001244191.2, NM_001329945.2, NM_001364700.1 and 1 more transcripts); c.2690A>T, p.Gln897Leu (NM_001244192.2); c.2402A>T, p.Gln801Leu (NM_001244193.2); c.2822A>T, p.Gln941Leu (NM_001329944.2, NM_001329946.2, NM_001329947.2); c.2594A>T, p.Gln865Leu (NM_014749.5); short protein forms Q865L, Q856L, Q897L, Q941L, Q994L, Q926L, Q801L.
Identifiers: ClinVar variation 1355354 (VCV001355354.7), dbSNP rs768032063, ClinGen allele CA7205972.